The following is an entry in ClinVar:

ClinVar aggregate classification (germline): Uncertain significance (1 of 4 stars; one submission).

Conditions:
Hereditary cancer-predisposing syndrome. Also called: Tumor predisposition; Neoplastic Syndromes, Hereditary; Hereditary Cancer Syndrome; Hereditary neoplastic syndrome. Identifiers: Orphanet 140162, MedGen C0027672, MeSH D009386, MONDO:0015356.

Submission:

Ambry Genetics
Classification: Uncertain significance for Hereditary cancer-predisposing syndrome. Last evaluated: 2024-11-11. Review status: criteria provided, single submitter. Criteria: Ambry Variant Classification Scheme 2023. Collection method: clinical testing. Allele origin: germline.
Comment: The p.I906V variant (also known as c.2716A>G), located in coding exon 17 of the CTNNA1 gene, results from an A to G substitution at nucleotide position 2716. The isoleucine at codon 906 is replaced by valine, an amino acid with highly similar properties. This amino acid position is conserved. In addition, this alteration is predicted to be tolerated by in silico analysis. Based on the available evidence, the clinical significance of this variant remains unclear.

NM_001903.5(CTNNA1):c.2716A>G (p.Ile906Val)

Gene: CTNNA1 (catenin alpha 1; plus strand). Cytogenetic location: 5q31.2.
Variant type: single nucleotide variant.
Coding change: c.2716A>G on transcript NM_001903.5 (MANE Select); coding-DNA position 2716, A replaced by G.
Protein change: p.Ile906Val; replaces isoleucine 906 with valine.
Molecular consequence: missense variant. On other transcripts: 3 prime UTR variant (5).
Genome position (GRCh38, 1-based): chr5:138,934,084, A>G. VCF-style: chr5-138934084-A-G. GRCh37 (hg19) VCF-style: chr5-138269773-A-G.
Other names: c.*261A>G (NM_001290307.3, NM_001324002.1, NM_001324003.1 and 2 more transcripts); c.2407A>G, p.Ile803Val (NM_001290309.3); c.2347A>G, p.Ile783Val (NM_001290310.3); c.1606A>G, p.Ile536Val (NM_001290312.1, NM_001323987.1, NM_001323988.1 and 12 more transcripts); c.2716A>G, p.Ile906Val (NM_001323982.2, NM_001323983.1, NM_001323984.2); c.2689A>G, p.Ile897Val (NM_001323985.2); c.2623A>G, p.Ile875Val (NM_001323986.2); c.1471A>G, p.Ile491Val (NM_001324001.1); and 3 more; short protein forms I423V, I536V, I803V, I906V, I455V, I505V, I783V, I897V.
Identifiers: ClinVar variation 3498264 (VCV003498264.1).